The following is an entry in ClinVar:

NM_001128840.3(CACNA1D):c.2613G>A (p.Lys871=)

Gene: CACNA1D (calcium voltage-gated channel subunit alpha1 D; plus strand). Cytogenetic location: 3p21.1.
Variant type: single nucleotide variant.
Coding change: c.2613G>A on transcript NM_001128840.3 (MANE Select); coding-DNA position 2613, G replaced by A.
Protein change: p.Lys871=; no amino-acid change (lysine 871 retained).
Molecular consequence: synonymous variant.
Genome position (GRCh38, 1-based): chr3:53,732,954, G>A. VCF-style: chr3-53732954-G-A. GRCh37 (hg19) VCF-style: chr3-53766981-G-A.
Other names: c.2673G>A, p.Lys891= (NM_000720.4); c.2613G>A, p.Lys871= (NM_001128839.3).
Identifiers: ClinVar variation 3616935 (VCV003616935.2).

ClinVar aggregate classification (germline): Uncertain significance (1 of 4 stars; one submission).

gnomAD v4.1: 4 of 1,613,902 alleles (0.00025%); highest among the groups gnomAD compares: Non-Finnish European, 0.00034%; no homozygotes.

Submission:

Labcorp Genetics (formerly Invitae), Labcorp
Classification: Uncertain significance. Last evaluated: 2024-10-15. Review status: criteria provided, single submitter. Criteria: Invitae Variant Classification Sherloc (09022015). Collection method: clinical testing. Allele origin: germline.
Comment: This sequence change affects codon 891 of the CACNA1D mRNA. It is a 'silent' change, meaning that it does not change the encoded amino acid sequence of the CACNA1D protein. This variant is not present in population databases (gnomAD no frequency). This variant has not been reported in the literature in individuals affected with CACNA1D-related conditions. Algorithms developed to predict the effect of sequence changes on RNA splicing suggest that this variant may disrupt the consensus splice site. In summary, the available evidence is currently insufficient to determine the role of this variant in disease. Therefore, it has been classified as a Variant of Uncertain Significance.